The following is an entry in ClinVar:

NM_003919.3(SGCE):c.1236del (p.Pro412_Leu413insTer)

Genes: CASD1 (CAS1 domain sialic acid O acetyltransferase 1; plus strand), SGCE (sarcoglycan epsilon; minus strand). Cytogenetic location: 7q21.3.
Variant type: Deletion.
Coding change: c.1236del on transcript NM_003919.3 (MANE Select); coding-DNA position 1236, one base deleted (A; older notation c.1236delA).
Protein change: p.Pro412_Leu413insTer.
Molecular consequence: frameshift variant.
Genome position (GRCh38, 1-based): chr7:94,598,792, T deleted on the plus strand (A on the coding strand, the reverse complement: SGCE is on the minus strand). VCF-style (leftmost placement, unchanged base first): chr7-94598791-AT-A. GRCh37 (hg19) VCF-style: chr7-94228103-AT-A.
Other names: c.1209del, p.Pro403_Leu404insTer (NM_001099400.2, NM_001346717.2); c.1236del, p.Pro412_Leu413insTer (NM_001099401.2); c.1113del, p.Pro371_Leu372insTer (NM_001301139.2); c.1344del, p.Pro448_Leu449insTer (NM_001346713.2); c.1317del, p.Pro439_Leu440insTer (NM_001346715.2); c.1149del, p.Pro383_Leu384insTer (NM_001346719.2); c.963del, p.Pro321_Leu322insTer (NM_001346720.2); c.1122del, p.Pro374_Leu375insTer (NM_001362807.2); and 2 more.
Identifiers: ClinVar variation 4729185 (VCV004729185.1).

ClinVar aggregate classification (germline): Pathogenic (1 of 4 stars; one submission).

Conditions:
Myoclonic dystonia 11 (DYT11). Also called: Myoclonic dystonia; Dystonia 11; Dystonia, alcohol responsive; Hereditary essential myoclonus; SGCE Myoclonus-Dystonia; Myoclonus-Dystonia. Identifiers: Orphanet 36899, MedGen C1834570, MONDO:0008044, OMIM 159900.

Submission:

Labcorp Genetics (formerly Invitae), Labcorp
Classification: Pathogenic for Myoclonic dystonia 11. Last evaluated: 2025-10-26. Review status: criteria provided, single submitter. Criteria: Invitae Variant Classification Sherloc (09022015). Collection method: clinical testing. Allele origin: germline.
Comment: This sequence change creates a premature translational stop signal (p.Leu413*) in the SGCE gene. It is expected to result in an absent or disrupted protein product. Loss-of-function variants in SGCE are known to be pathogenic (PMID: 12821748, 15389977, 17853490, 24297365). This variant is not present in population databases (gnomAD no frequency). This variant has not been reported in the literature in individuals affected with SGCE-related conditions. For these reasons, this variant has been classified as Pathogenic.

Literature cited by the submitters: PubMed 12821748; PubMed 15389977; PubMed 17853490; PubMed 24297365.